The following is an entry in ClinVar:

ClinVar aggregate classification (germline): Conflicting classifications of pathogenicity. Review status: criteria provided, conflicting classifications (1 of 4 stars). 4 submissions from 4 submitters: Uncertain significance (1); Likely benign (3). Last evaluated 2025-03-31.

Conditions:
Inborn genetic diseases. Identifiers: MedGen C0950123, MeSH D030342.

Allele frequency attached by ClinVar (database versions not stated): TOPMed 0.00001.
gnomAD v4.1: 24 of 1,614,004 alleles (0.0015%); highest among the groups gnomAD compares: Admixed American, 0.025%; no homozygotes.

Submissions (4):

Labcorp Genetics (formerly Invitae), Labcorp
Classification: Likely benign. Last evaluated: 2025-03-31. Review status: criteria provided, single submitter. Criteria: Invitae Variant Classification Sherloc (09022015). Collection method: clinical testing. Allele origin: germline.

Ambry Genetics
Classification: Uncertain significance for Inborn genetic diseases. Last evaluated: 2024-02-27. Review status: criteria provided, single submitter. Criteria: Ambry Variant Classification Scheme 2023. Collection method: clinical testing. Allele origin: germline.

Blueprint Genetics
Classification: Likely benign. Last evaluated: 2023-08-22. Review status: criteria provided, single submitter. Criteria: ACMG Guidelines, 2015. Collection method: clinical testing. Allele origin: germline.

GeneDx
Classification: Likely benign. Last evaluated: 2020-06-29. Review status: criteria provided, single submitter. Criteria: GeneDx Variant Classification Process June 2021. Collection method: clinical testing. Allele origin: germline. Affected: yes.
Comment: In silico analysis supports that this missense variant does not alter protein structure/function; Has not been previously published as pathogenic or benign to our knowledge

NM_001844.5(COL2A1):c.4420G>A (p.Glu1474Lys)

Gene: COL2A1 (collagen type II alpha 1 chain; minus strand). Cytogenetic location: 12q13.11.
Variant type: single nucleotide variant.
Coding change: c.4420G>A on transcript NM_001844.5 (MANE Select); coding-DNA position 4420, G replaced by A.
Protein change: p.Glu1474Lys; replaces glutamic acid 1474 with lysine.
Molecular consequence: missense variant.
Genome position (GRCh38, 1-based): chr12:47,973,451, C>T on the plus strand (G>A on the coding strand, the complement: COL2A1 is on the minus strand). VCF-style: chr12-47973451-C-T. GRCh37 (hg19) VCF-style: chr12-48367234-C-T.
Other names: c.4213G>A, p.Glu1405Lys (NM_033150.3); short protein forms E1405K, E1474K.
Identifiers: ClinVar variation 937381 (VCV000937381.12), dbSNP rs540750398, ClinGen allele CA6534456.